The following is an entry in ClinVar:

ClinVar aggregate classification (germline): Uncertain significance. Review status: criteria provided, multiple submitters, no conflicts (2 of 4 stars). 2 submissions from 2 submitters: Uncertain significance (2). Last evaluated 2025-04-15.

Conditions:
Intellectual developmental disorder 61. Also called: INTELLECTUAL DEVELOPMENTAL DISORDER, AUTOSOMAL DOMINANT 61; MENTAL RETARDATION, AUTOSOMAL DOMINANT 61. Identifiers: MedGen C5231400, MONDO:0032485, OMIM 618009.

Submissions (2):

Dasa
Classification: Uncertain significance for Intellectual developmental disorder 61. Last evaluated: 2025-04-15. Review status: criteria provided, single submitter. Criteria: DASA Assertion Criteria. Collection method: clinical testing. Allele origin: germline.
Comment: NM_005121.3(MED13):c.3564G>C (p.Leu1188Phe) is a missense variant that results in the substitution of leucine with phenylalanine. This variant is absent from population databases. The currently available literature and clinical evidence are not sufficient to establish a definitive association between this variant and the reported condition. Therefore, this variant is classified as a variant of uncertain significance.

Laboratorio de Genetica e Diagnostico Molecular, Hospital Israelita Albert Einstein
Classification: Uncertain significance for Intellectual developmental disorder 61. Last evaluated: 2024-10-11. Review status: criteria provided, single submitter. Criteria: ACMG Guidelines, 2015. Collection method: clinical testing. Allele origin: germline. Affected: yes.
Comment: ACMG classification criteria: PM2 supporting, PP2 supporting, BP4 supporting

NM_005121.3(MED13):c.3564G>C (p.Leu1188Phe)

Gene: MED13 (mediator complex subunit 13; minus strand). Cytogenetic location: 17q23.2.
Variant type: single nucleotide variant.
Coding change: c.3564G>C on transcript NM_005121.3 (MANE Select); coding-DNA position 3564, G replaced by C.
Protein change: p.Leu1188Phe; replaces leucine 1188 with phenylalanine.
Molecular consequence: missense variant.
Genome position (GRCh38, 1-based): chr17:61,982,439, C>G on the plus strand (G>C on the coding strand, the complement: MED13 is on the minus strand). VCF-style: chr17-61982439-C-G. GRCh37 (hg19) VCF-style: chr17-60059800-C-G.
Other names: short protein forms L1188F.
Identifiers: ClinVar variation 4056613 (VCV004056613.3).
Genomic context (GRCh38, chr17:61,982,439, plus strand): 5'-TTGGTCTGCTGCTCCAAAGGGTGAAAATAAATTAGTGCACTGATCTTGTAGCAATAATAT[C>G]AAATCATCAGATAATTTTTCAGATTCCTTTAGTCCTCCATTAACATGTTCAGCAGAGGTA-3'
Protein context (NP_005112.2, residues 1178-1198): LKESEKLSDD[Leu1188Phe]ILLLQDQCTN